The following is an entry in ClinVar:

NM_033109.5(PNPT1):c.840G>A (p.Ser280=)

Gene: PNPT1 (polyribonucleotide nucleotidyltransferase 1; minus strand). Cytogenetic location: 2p16.1.
Variant type: single nucleotide variant.
Coding change: c.840G>A on transcript NM_033109.5 (MANE Select); coding-DNA position 840, G replaced by A.
Protein change: p.Ser280=; no amino-acid change (serine 280 retained).
Molecular consequence: synonymous variant.
Genome position (GRCh38, 1-based): chr2:55,672,919, C>T on the plus strand (G>A on the coding strand, the complement: PNPT1 is on the minus strand). VCF-style: chr2-55672919-C-T. GRCh37 (hg19) VCF-style: chr2-55900054-C-T.
Other names: c.840G>A (NM_033109.4).
Identifiers: ClinVar variation 2895740 (VCV002895740.5), dbSNP rs202182599, ClinGen allele CA1668335.

ClinVar aggregate classification (germline): Likely benign. Review status: criteria provided, single submitter (1 of 4 stars). 2 submissions from 2 submitters: Likely benign (1). 1 of the submissions does not count toward it. Last evaluated 2024-07-12.

Conditions:
PNPT1-related disorder. Also called: PNPT1-related disorders; PNPT1-related condition.

Allele frequency attached by ClinVar (database versions not stated): ExAC 0.00005; ESP Exome Variant Server 0.00008; 1000 Genomes Project 30x 0.00016; 1000 Genomes Project 0.00020.
gnomAD v4.1: 39 of 1,605,540 alleles (0.0024%); highest among the groups gnomAD compares: South Asian, 0.018%; 1 homozygote.

Submissions (2):

Labcorp Genetics (formerly Invitae), Labcorp
Classification: Likely benign. Last evaluated: 2024-07-12. Review status: criteria provided, single submitter. Criteria: Invitae Variant Classification Sherloc (09022015). Collection method: clinical testing. Allele origin: germline.

PreventionGenetics, part of Exact Sciences
Classification: Likely benign for PNPT1-related condition. Last evaluated: 2021-05-24. Review status: no assertion criteria provided. Collection method: clinical testing. Allele origin: germline. Not counted in ClinVar's aggregate classification.
Comment: This variant is classified as likely benign based on ACMG/AMP sequence variant interpretation guidelines (Richards et al. 2015 PMID: 25741868, with internal and published modifications).